The following is an entry in ClinVar:

ClinVar aggregate classification (germline): Benign/Likely benign. Review status: criteria provided, multiple submitters, no conflicts (2 of 4 stars). 7 submissions from 6 submitters: Benign (3); Likely benign (4). Last evaluated 2026-02-03.

Conditions:
Ehlers-Danlos syndrome, classic type, 1 (EDSCL1). Also called: Ehlers-Danlos syndrome, type 1; EHLERS-DANLOS SYNDROME, GRAVIS TYPE; EHLERS-DANLOS SYNDROME, SEVERE CLASSIC TYPE; Ehlers-Danlos Syndrome, Classic Type, COL5A1-Related; EDS I. Identifiers: MedGen C0268335, MONDO:0019567, OMIM 130000.
Familial thoracic aortic aneurysm and aortic dissection (TAAD). Also called: Thoracic aortic aneurysms and dissections. Identifiers: Orphanet 91387, MedGen C4707243, MONDO:0019625.
Fibromuscular dysplasia, multifocal. Identifiers: MedGen C5543412, MONDO:0859151, OMIM 619329.

Allele frequency attached by ClinVar (database versions not stated): TOPMed 0.00004; gnomAD 0.00005 and 0.00004; gnomAD exomes 0.00004 and 0.00006; ExAC 0.00007; 1000 Genomes Project 30x 0.00062; 1000 Genomes Project 0.00080.
gnomAD v4.1: 71 of 1,614,220 alleles (0.0044%); highest among the groups gnomAD compares: East Asian, 0.036%; no homozygotes.

Submissions (7):

Labcorp Genetics (formerly Invitae), Labcorp
Classification: Likely benign for Ehlers-Danlos syndrome, classic type, 1. Last evaluated: 2026-02-03. Review status: criteria provided, single submitter. Criteria: Invitae Variant Classification Sherloc (09022015). Collection method: clinical testing. Allele origin: germline.

Mayo Clinic Laboratories, Mayo Clinic
Classification: Likely benign. Last evaluated: 2024-11-11. Review status: criteria provided, single submitter. Criteria: ACMG Guidelines, 2015. Collection method: clinical testing. Allele origin: germline. Observed: 1 variant allele.
Comment: BP4, BP7

Blueprint Genetics
Classification: Likely benign. Last evaluated: 2024-09-19. Review status: criteria provided, single submitter. Criteria: ACMG Guidelines, 2015. Collection method: clinical testing. Allele origin: germline.

Genome-Nilou Lab
Classification: Benign for Ehlers-Danlos syndrome, classic type, 1. Last evaluated: 2022-03-15. Review status: criteria provided, single submitter. Criteria: ACMG Guidelines, 2015. Collection method: clinical testing. Allele origin: germline. Affected: no.

Genome-Nilou Lab
Classification: Benign for Fibromuscular dysplasia, multifocal. Last evaluated: 2022-03-15. Review status: criteria provided, single submitter. Criteria: ACMG Guidelines, 2015. Collection method: clinical testing. Allele origin: germline. Affected: no.

Ambry Genetics
Classification: Likely benign for Familial thoracic aortic aneurysm and aortic dissection. Last evaluated: 2020-01-24. Review status: criteria provided, single submitter. Criteria: Ambry Variant Classification Scheme 2023. Collection method: clinical testing. Allele origin: germline.

GeneDx
Classification: Benign. Last evaluated: 2017-07-26. Review status: criteria provided, single submitter. Criteria: GeneDx Variant Classification (06012015). Collection method: clinical testing. Allele origin: germline. Affected: yes.
Comment: This variant is considered likely benign or benign based on one or more of the following criteria: it is a conservative change, it occurs at a poorly conserved position in the protein, it is predicted to be benign by multiple in silico algorithms, and/or has population frequency not consistent with disease.

NM_000093.5(COL5A1):c.4803C>T (p.Tyr1601=)

Genes: COL5A1 (collagen type V alpha 1 chain; plus strand), LOC101448202 (uncharacterized LOC101448202; minus strand). Cytogenetic location: 9q34.3.
Variant type: single nucleotide variant.
Coding change: c.4803C>T on transcript NM_000093.5 (MANE Select); coding-DNA position 4803, C replaced by T.
Protein change: p.Tyr1601=; no amino-acid change (tyrosine 1601 retained).
Molecular consequence: synonymous variant.
Genome position (GRCh38, 1-based): chr9:134,824,704, C>T. VCF-style: chr9-134824704-C-T. GRCh37 (hg19) VCF-style: chr9-137716550-C-T.
Other names: p.Tyr1601=; c.4803C>T, p.Tyr1601= (NM_001278074.1).
Identifiers: ClinVar variation 507869 (VCV000507869.16), dbSNP rs199637893, ClinGen allele CA5320482.
Genomic context (GRCh38, chr9:134,824,704, plus strand): 5'-CAGGACGCGGCGGAACATCGACGCCAGCCAGCTGCTGGACGACGGGAATGGCGAGAACTA[C>T]GTGGACTACGCGGACGGCATGGAAGAGATCTTCGGCTCTCTCAACTCTCTGAAGCTGGAG-3'
Protein context (NP_000084.3, residues 1591-1611): QLLDDGNGEN[Tyr1601=]VDYADGMEEI